The following is an entry in ClinVar:

NM_001375524.1(TRRAP):c.5860C>T (p.Arg1954Trp)

Gene: TRRAP (transformation/transcription domain associated protein; plus strand). Cytogenetic location: 7q22.1.
Variant type: single nucleotide variant.
Coding change: c.5860C>T on transcript NM_001375524.1 (MANE Select); coding-DNA position 5860, C replaced by T.
Protein change: p.Arg1954Trp; replaces arginine 1954 with tryptophan.
Molecular consequence: missense variant.
Genome position (GRCh38, 1-based): chr7:98,955,227, C>T. VCF-style: chr7-98955227-C-T. GRCh37 (hg19) VCF-style: chr7-98552850-C-T.
Other names: c.5839C>T, p.Arg1947Trp (NM_001244580.2); c.5785C>T, p.Arg1929Trp (NM_003496.4); short protein forms R1929W, R1947W, R1954W.
Identifiers: ClinVar variation 3360883 (VCV003360883.2).

ClinVar aggregate classification (germline): Pathogenic (1 of 4 stars; one submission).

Submission:

GeneDx
Classification: Pathogenic. Last evaluated: 2026-07-29. Review status: criteria provided, single submitter. Criteria: GeneDx Variant Classification Process June 2021. Collection method: clinical testing. Allele origin: germline.
Comment: Not observed at significant frequency in large population cohorts (gnomAD); In silico analysis supports that this missense variant has a deleterious effect on protein structure/function; Has not been previously published as pathogenic or benign to our knowledge